The following is an entry in ClinVar:

ClinVar aggregate classification (germline): Uncertain significance. Review status: criteria provided, multiple submitters, no conflicts (2 of 4 stars). 7 submissions from 7 submitters: Uncertain significance (7). Last evaluated 2024-05-13.

Conditions:
CHEK2-related cancer predisposition (TPDS4). Also called: TUMOR PREDISPOSITION SYNDROME 4; CANCER PREDISPOSITION SYNDROME, CHEK2-RELATED; CHEK2-related cancer susceptibility. Identifiers: Orphanet 524, MedGen C5882668, MONDO:0700271, OMIM 609265.
Familial cancer of breast. Also called: Hereditary breast cancer; hereditary breast carcinoma; BREAST CANCER, FAMILIAL. Identifiers: Orphanet 227535, MedGen C0346153, MONDO:0016419, OMIM 114480. Disease mechanism: loss of function.
Hereditary cancer-predisposing syndrome. Also called: Neoplastic Syndromes, Hereditary; Hereditary Cancer Syndrome; Tumor predisposition; Hereditary neoplastic syndrome. Identifiers: Orphanet 140162, MedGen C0027672, MeSH D009386, MONDO:0015356.

gnomAD v4.1: 3 of 1,614,050 alleles (0.00019%); highest among the groups gnomAD compares: South Asian, 0.0022%; no homozygotes.

Submissions (7):

Ambry Genetics
Classification: Uncertain significance for Hereditary cancer-predisposing syndrome. Last evaluated: 2024-05-13. Review status: criteria provided, single submitter. Criteria: Ambry Variant Classification Scheme 2023. Collection method: clinical testing. Allele origin: germline.
Comment: The p.R145P variant (also known as c.434G>C), located in coding exon 2 of the CHEK2 gene, results from a G to C substitution at nucleotide position 434. The arginine at codon 145 is replaced by proline, an amino acid with dissimilar properties. This alteration has been reported in 1/1197 individuals from Greece, Romania, and Turkey undergoing evaluation for inherited cancer predisposition (Tsaousis GN et al. BMC Cancer, 2019 Jun;19:535). This alteration was also reported as functionally impaired in a study assessing CHEK2-complementation through quantification of KAP1 phosphorylation and CHK2 autophosphorylation in human RPE1-CHEK2-knockout cells (Stolarova L et al. Clin Cancer Res, 2023 Aug;29:3037-3050). This amino acid position is highly conserved in available vertebrate species. In addition, this alteration is predicted to be deleterious by in silico analysis. Based on the available evidence, the clinical significance of this variant remains unclear.

GeneDx
Classification: Uncertain significance. Last evaluated: 2024-02-02. Review status: criteria provided, single submitter. Criteria: GeneDx Variant Classification Process June 2021. Collection method: clinical testing. Allele origin: germline. Affected: yes.
Comment: Not observed at significant frequency in large population cohorts (gnomAD); In silico analysis supports that this missense variant has a deleterious effect on protein structure/function; This variant is associated with the following publications: (PMID: 31159747, 29470806, 12533788, 22419737, 19782031, 18996005)

Baylor Genetics
Classification: Uncertain significance for Familial cancer of breast. Last evaluated: 2023-09-01. Review status: criteria provided, single submitter. Criteria: ACMG Guidelines, 2015. Collection method: clinical testing. Allele origin: unknown.

Department of Pathology and Laboratory Medicine, Sinai Health System
Classification: Uncertain significance for CHEK2-related cancer predisposition. Last evaluated: 2022-03-17. Review status: criteria provided, single submitter. Criteria: ACMG Guidelines, 2015. Collection method: clinical testing. Allele origin: germline. Affected: yes.

Labcorp Genetics (formerly Invitae), Labcorp
Classification: Uncertain significance for Familial cancer of breast. Last evaluated: 2019-01-12. Review status: criteria provided, single submitter. Criteria: Invitae Variant Classification Sherloc (09022015). Collection method: clinical testing. Allele origin: germline.
Comment: This variant is present in population databases (rs587781667, ExAC 0.006%). In summary, the available evidence is currently insufficient to determine the role of this variant in disease. Therefore, it has been classified as a Variant of Uncertain Significance. This variant disrupts the p.Arg145 amino acid residue in CHEK2. Other variant(s) that disrupt this residue have been observed in individuals with CHEK2-related conditions (PMID: 11719428, 15535844, 22419737, 29356917, 29909963), suggesting that it is a clinically significant residue. As a result, variants that disrupt this residue are likely to be causative of disease. Algorithms developed to predict the effect of missense changes on protein structure and function (SIFT, PolyPhen-2, Align-GVGD) all suggest that this variant is likely to be disruptive, but these predictions have not been confirmed by published functional studies and their clinical significance is uncertain. This variant has been observed in individuals affected with breast and/or ovarian cancer or prostate cancer (PMID: 12533788, 29470806). ClinVar contains an entry for this variant (Variation ID: 584522). This sequence change replaces arginine with proline at codon 145 of the CHEK2 protein (p.Arg145Pro). The arginine residue is highly conserved and there is a moderate physicochemical difference between arginine and proline.

Color Diagnostics, LLC DBA Color Health
Classification: Uncertain significance for Hereditary cancer-predisposing syndrome. Last evaluated: 2018-09-22. Review status: criteria provided, single submitter. Criteria: ACMG Guidelines, 2015. Collection method: clinical testing. Allele origin: germline.

GeneKor MSA
Classification: Uncertain significance for Hereditary cancer-predisposing syndrome. Last evaluated: 2018-08-01. Review status: criteria provided, single submitter. Criteria: ACMG Guidelines, 2015. Collection method: clinical testing. Allele origin: germline. Affected: yes.

Literature cited by the submitters: PubMed 31159747 (cited by Ambry Genetics); PubMed 37449874 (cited by Ambry Genetics); PubMed 12533788 (cited by Department of Pathology and Laboratory Medicine, Sinai Health System and Labcorp Genetics (formerly Invitae), Labcorp); PubMed 29470806 (cited by Department of Pathology and Laboratory Medicine, Sinai Health System and Labcorp Genetics (formerly Invitae), Labcorp); PubMed 11719428 (cited by Labcorp Genetics (formerly Invitae), Labcorp); PubMed 15535844 (cited by Labcorp Genetics (formerly Invitae), Labcorp); PubMed 22419737 (cited by Labcorp Genetics (formerly Invitae), Labcorp); PubMed 29356917 (cited by Labcorp Genetics (formerly Invitae), Labcorp); PubMed 29909963 (cited by Labcorp Genetics (formerly Invitae), Labcorp).

NM_007194.4(CHEK2):c.434G>C (p.Arg145Pro)

Gene: CHEK2 (checkpoint kinase 2; minus strand). Cytogenetic location: 22q12.1.
Variant type: single nucleotide variant.
Coding change: c.434G>C on transcript NM_007194.4 (MANE Select); coding-DNA position 434, G replaced by C.
Protein change: p.Arg145Pro; replaces arginine 145 with proline.
Molecular consequence: missense variant.
Genome position (GRCh38, 1-based): chr22:28,725,253, C>G on the plus strand (G>C on the coding strand, the complement: CHEK2 is on the minus strand). VCF-style: chr22-28725253-C-G. GRCh37 (hg19) VCF-style: chr22-29121241-C-G.
Other names: c.563G>C, p.Arg188Pro (NM_001005735.3); c.-344G>C (NM_001257387.3); c.434G>C, p.Arg145Pro (NM_001349956.3, NM_145862.3); short protein forms R145P, R188P.
Identifiers: ClinVar variation 584522 (VCV000584522.18), dbSNP rs587781667, ClinGen allele CA501029.
Genomic context (GRCh38, chr22:28,725,253, plus strand): 5'-CAATGACCAAATTACCAGCTCTCCTAGATACATGGGTATTCATTACCTACCCTGAAAATC[C>G]GAAAGTGTTTCTTGCTGTATGTTCGGTATTTATCTGTTCTTTTCAGCAGTGGTTCATCAA-3'
Protein context (NP_009125.1, residues 135-155): KYRTYSKKHF[Arg145Pro]IFREVGPKNS